The following is an entry in ClinVar:

ClinVar aggregate classification (germline): Likely pathogenic (1 of 4 stars; one submission).

Conditions:
Cockayne syndrome type 2 (CSB). Also called: COCKAYNE SYNDROME B; Cockayne Syndrome, Type II. Identifiers: Orphanet 191, Orphanet 90322, MedGen C0751038, MONDO:0019570, OMIM 133540.

Submission:

Myriad Genetics, Inc.
Classification: Likely pathogenic for Cockayne syndrome type 2. Last evaluated: 2022-02-05. Review status: criteria provided, single submitter. Criteria: Myriad Women's Health Autosomal Recessive and X-Linked Classification Criteria (2021). Collection method: clinical testing. Allele origin: unknown.
Comment: NM_000124.2(ERCC6):c.1926T>A(Y642*) is expected to be pathogenic in the context of ERCC6-related disorders. This variant is predicted to lead to an abnormal or absent protein product due to the creation of a premature termination codon in ERCC6, a gene where loss-of-function variants are known to be pathogenic. Please note: this variant was assessed in the context of healthy population screening.

NM_000124.4(ERCC6):c.1926T>A (p.Tyr642Ter)

Gene: ERCC6 (ERCC excision repair 6, chromatin remodeling factor; minus strand). Cytogenetic location: 10q11.23.
Variant type: single nucleotide variant.
Coding change: c.1926T>A on transcript NM_000124.4 (MANE Select); coding-DNA position 1926, T replaced by A.
Protein change: p.Tyr642Ter; replaces tyrosine 642 with a stop codon.
Molecular consequence: nonsense.
Genome position (GRCh38, 1-based): chr10:49,483,412, A>T on the plus strand (T>A on the coding strand, the complement: ERCC6 is on the minus strand). VCF-style: chr10-49483412-A-T. GRCh37 (hg19) VCF-style: chr10-50691458-A-T.
Other names: c.1926T>A, p.Tyr642Ter (NM_001346440.2); short protein forms Y642*.
Identifiers: ClinVar variation 1724315 (VCV001724315.2), dbSNP rs2496008991, ClinGen allele CA376724857.